The following is an entry in ClinVar:

ClinVar aggregate classification (germline): Likely pathogenic (1 of 4 stars; one submission).

Submission:

GeneDx
Classification: Likely pathogenic. Last evaluated: 2015-11-19. Review status: criteria provided, single submitter. Criteria: GeneDx Variant Classification (06012015). Collection method: clinical testing. Allele origin: germline. Affected: yes.
Comment: The P3320T variant has not been published as a pathogenic variant, nor has it been reported as a benign variant to our knowledge. However, P3320S and P3320R have been reported previously in association with dystrophiopathies (Flanigan et al., 2009; Juan-Mateu et al., 2013). The P3320T variant was not observed in approximately 6,500 individuals of European and African American ancestry in the NHLBI Exome Sequencing Project, indicating it is not a common benign variant in these populations. P3320T is a non-conservative amino acid substitution, which is likely to impact secondary protein structure as these residues differ in polarity, charge, size and/or other properties. This substitution occurs at a position that is conserved, and in silico analysis predicts this variant is probably damaging to the protein structure/function. Additionally, several missense variants in nearby residues have been reported in the Human Gene Mutation Database in association with dystrophinopathies (Stenson et al., 2014), supporting the functional importance of this region of the protein. Therefore, this variant is a strong candidate for a pathogenic variant, however the possibility that it is a benign variant cannot be excluded.

NM_004006.3(DMD):c.9958C>A (p.Pro3320Thr)

Gene: DMD (dystrophin; minus strand). Cytogenetic location: Xp21.2.
Variant type: single nucleotide variant.
Coding change: c.9958C>A on transcript NM_004006.3 (MANE Select); coding-DNA position 9958, C replaced by A.
Protein change: p.Pro3320Thr; replaces proline 3320 with threonine.
Molecular consequence: missense variant.
Genome position (GRCh38, 1-based): chrX:31,182,754, G>T on the plus strand (C>A on the coding strand, the complement: DMD is on the minus strand). VCF-style: chrX-31182754-G-T. GRCh37 (hg19) VCF-style: chrX-31200871-G-T.
Other names: c.9934C>A, p.Pro3312Thr (NM_000109.4); c.9946C>A, p.Pro3316Thr (NM_004009.3); c.9589C>A, p.Pro3197Thr (NM_004010.3); c.5935C>A, p.Pro1979Thr (NM_004011.4); c.5926C>A, p.Pro1976Thr (NM_004012.4); c.2578C>A, p.Pro860Thr (NM_004013.3, NM_004020.4, NM_004021.3 and 2 more transcripts); c.1771C>A, p.Pro591Thr (NM_004014.3); c.754C>A, p.Pro252Thr (NM_004015.3, NM_004016.3, NM_004017.3 and 2 more transcripts); short protein forms P3320T, P1976T, P1979T, P3312T, P3316T, P3197T, P591T, P252T.
Identifiers: ClinVar variation 429926 (VCV000429926.2), dbSNP rs1131691677, ClinGen allele CA412653296.